The following is an entry in ClinVar:

ClinVar aggregate classification (germline): Uncertain significance (1 of 4 stars; one submission).

Allele frequency attached by ClinVar (database versions not stated): gnomAD exomes 0.00001; TOPMed 0.00001; ExAC 0.00002.
gnomAD v4.1: 17 of 1,614,124 alleles (0.0011%); highest among the groups gnomAD compares: Middle Eastern, 0.016%; no homozygotes.

Submission:

Labcorp Genetics (formerly Invitae), Labcorp
Classification: Uncertain significance. Last evaluated: 2022-07-17. Review status: criteria provided, single submitter. Criteria: Invitae Variant Classification Sherloc (09022015). Collection method: clinical testing. Allele origin: germline.
Comment: This sequence change replaces valine, which is neutral and non-polar, with isoleucine, which is neutral and non-polar, at codon 410 of the IFT52 protein (p.Val410Ile). This variant is present in population databases (rs768728172, gnomAD 0.01%). This variant has not been reported in the literature in individuals affected with IFT52-related conditions. Algorithms developed to predict the effect of missense changes on protein structure and function output the following: SIFT: "Not Available"; PolyPhen-2: "Benign"; Align-GVGD: "Not Available". The isoleucine amino acid residue is found in multiple mammalian species, which suggests that this missense change does not adversely affect protein function. In summary, the available evidence is currently insufficient to determine the role of this variant in disease. Therefore, it has been classified as a Variant of Uncertain Significance.

NM_016004.5(IFT52):c.1228G>A (p.Val410Ile)

Gene: IFT52 (intraflagellar transport 52; plus strand). Cytogenetic location: 20q13.12.
Variant type: single nucleotide variant.
Coding change: c.1228G>A on transcript NM_016004.5 (MANE Select); coding-DNA position 1228, G replaced by A.
Protein change: p.Val410Ile; replaces valine 410 with isoleucine.
Molecular consequence: missense variant. On other transcripts: intron variant (1).
Genome position (GRCh38, 1-based): chr20:43,642,586, G>A. VCF-style: chr20-43642586-G-A. GRCh37 (hg19) VCF-style: chr20-42271226-G-A.
Other names: c.1228G>A, p.Val410Ile (NM_001303458.3); c.700G>A, p.Val234Ile (NM_001323578.2, NM_001323580.2); c.577G>A, p.Val193Ile (NM_001323579.2, NM_001323581.2); c.1121-4350G>A (NM_001303459.3); short protein forms V234I, V410I, V193I.
Identifiers: ClinVar variation 1898900 (VCV001898900.2), dbSNP rs768728172, ClinGen allele CA9867136.